The following is an entry in ClinVar:

NC_000005.10:g.(?_1280152)_(1280344_?)del

Gene: TERT (telomerase reverse transcriptase; minus strand). Cytogenetic location: 5p15.33.
Variant type: Deletion.
Identifiers: ClinVar variation 584005 (VCV000584005.1).

ClinVar aggregate classification (germline): Pathogenic (1 of 4 stars; one submission).

Conditions:
Interstitial lung disease 2 (ILD2). Also called: Familial idiopathic pulmonary fibrosis; FIBROCYSTIC PULMONARY DYSPLASIA; FIBROSING ALVEOLITIS, CRYPTOGENIC. Identifiers: Orphanet 2032, Orphanet 79126, MedGen C5561926, MONDO:0800497, OMIM 178500, MONDO:0800029.
Dyskeratosis congenita, autosomal dominant 2. Identifiers: MedGen C3151443, MONDO:0013521, OMIM 613989.

Submission:

Labcorp Genetics (formerly Invitae), Labcorp
Classification: Pathogenic for Dyskeratosis congenita, autosomal dominant, 2; Idiopathic fibrosing alveolitis, chronic form. Last evaluated: 2018-04-18. Review status: criteria provided, single submitter. Criteria: Invitae Variant Classification Sherloc (09022015). Collection method: clinical testing. Allele origin: germline.
Comment: This variant is an out-of-frame deletion of the genomic region encompassing exon 4 of the TERT gene. This is expected to create a premature translational stop signal and result in an absent or disrupted protein product. Deletions of TERT exon 4 have not been reported in the literature in individuals with TERT-related disease. Loss-of-function variants in TERT are known to be pathogenic (PMID: 16247010, 17460043). For these reasons, this variant has been classified as Pathogenic.